The following is an entry in ClinVar:

ClinVar aggregate classification (germline): Likely benign (1 of 4 stars; one submission).

Conditions:
CFAP410-related disorder. Also called: CFAP410-related condition.

gnomAD v4.1: 18 of 1,549,722 alleles (0.0012%); highest among the groups gnomAD compares: Non-Finnish European, 0.0016%; no homozygotes.

Submission:

PreventionGenetics, part of Exact Sciences
Classification: Likely benign for CFAP410-related condition. Last evaluated: 2026-04-20. Review status: criteria provided, single submitter. Criteria: ACMG Guidelines, 2015. Collection method: clinical testing. Allele origin: germline.
Comment: This variant is classified as likely benign based on ACMG/AMP sequence variant interpretation guidelines (Richards et al. 2015 PMID: 25741868, with internal and published modifications).

NM_004928.3(CFAP410):c.643-248G>T

Gene: CFAP410 (cilia and flagella associated protein 410; minus strand). Cytogenetic location: 21q22.3.
Variant type: single nucleotide variant.
Coding change: c.643-248G>T on transcript NM_004928.3 (MANE Select); 248 bases into the intron before coding-DNA position 643, G replaced by T.
Molecular consequence: intron variant. On other transcripts: synonymous variant (1).
Genome position (GRCh38, 1-based): chr21:44,330,574, C>A on the plus strand (G>T on the coding strand, the complement: CFAP410 is on the minus strand). VCF-style: chr21-44330574-C-A. GRCh37 (hg19) VCF-style: chr21-45750457-C-A.
Other names: c.888G>T, p.Val296= (NM_001271441.2); c.640-248G>T (NM_001271440.2); c.517-248G>T (NM_001271442.1).
Identifiers: ClinVar variation 4982302 (VCV004982302.1).